The following is an entry in ClinVar:

NM_003412.4(ZIC1):c.677T>C (p.Ile226Thr)

Gene: ZIC1 (Zic family zinc finger 1; plus strand). Cytogenetic location: 3q24.
Variant type: single nucleotide variant.
Coding change: c.677T>C on transcript NM_003412.4 (MANE Select); coding-DNA position 677, T replaced by C.
Protein change: p.Ile226Thr; replaces isoleucine 226 with threonine.
Molecular consequence: missense variant.
Genome position (GRCh38, 1-based): chr3:147,410,789, T>C. VCF-style: chr3-147410789-T-C. GRCh37 (hg19) VCF-style: chr3-147128576-T-C.
Other names: short protein forms I226T.
Identifiers: ClinVar variation 5002408 (VCV005002408.1).
Genomic context (GRCh38, chr3:147,410,789, plus strand): 5'-CGCATCACGGCGCCGGCGCCTTCTTCCGCTACATGCGCCAACCCATCAAGCAAGAGCTCA[T>C]CTGCAAGTGGATCGAGCCCGAGCAGCTGGCCAACCCCAAAAAGTCGTGCAACAAAACTTT-3'
Protein context (NP_003403.2, residues 216-236): YMRQPIKQEL[Ile226Thr]CKWIEPEQLA

ClinVar aggregate classification (germline): Uncertain significance (1 of 4 stars; one submission).

Conditions:
ZIC1-related disorder. Also called: ZIC1-related condition.

Submission:

PreventionGenetics, part of Exact Sciences
Classification: Uncertain significance for ZIC1-related condition. Last evaluated: 2025-03-12. Review status: criteria provided, single submitter. Criteria: ACMG Guidelines, 2015. Collection method: clinical testing. Allele origin: germline.
Comment: The ZIC1 c.677T>C variant is predicted to result in the amino acid substitution p.Ile226Thr. To our knowledge, this variant has not been reported in the literature or in a large population database (gnomAD), indicating this variant is rare. At this time, the clinical significance of this variant is uncertain due to the absence of conclusive functional and genetic evidence.